The following is an entry in ClinVar:

NM_032603.5(LOXL3):c.818G>T (p.Gly273Val)

Gene: LOXL3 (lysyl oxidase like 3; minus strand). Cytogenetic location: 2p13.1.
Variant type: single nucleotide variant.
Coding change: c.818G>T on transcript NM_032603.5 (MANE Select); coding-DNA position 818, G replaced by T.
Protein change: p.Gly273Val; replaces glycine 273 with valine.
Molecular consequence: missense variant. On other transcripts: intron variant (2).
Genome position (GRCh38, 1-based): chr2:74,536,803, C>A on the plus strand (G>T on the coding strand, the complement: LOXL3 is on the minus strand). VCF-style: chr2-74536803-C-A. GRCh37 (hg19) VCF-style: chr2-74763930-C-A.
Other names: c.478-332G>T (NM_001289164.3); c.-171-332G>T (NM_001289165.2); short protein forms G273V.
Identifiers: ClinVar variation 2628689 (VCV002628689.2), dbSNP rs368213503, ClinGen allele CA50492698.

ClinVar aggregate classification (germline): Uncertain significance (1 of 4 stars; one submission).

Conditions:
LOXL3-related disorder. Also called: LOXL3-related condition.

Allele frequency attached by ClinVar (database versions not stated): gnomAD exomes below 0.00001; gnomAD 0.00001; TOPMed 0.00002; ESP Exome Variant Server 0.00008.
gnomAD v4.1: 6 of 1,614,128 alleles (0.00037%); highest among the groups gnomAD compares: Non-Finnish European, 0.00051%; no homozygotes.

Submission:

PreventionGenetics, part of Exact Sciences
Classification: Uncertain significance for LOXL3-related condition. Last evaluated: 2025-11-19. Review status: criteria provided, single submitter. Criteria: ACMG Guidelines, 2015. Collection method: clinical testing. Allele origin: germline.
Comment: The LOXL3 c.818G>T variant is predicted to result in the amino acid substitution p.Gly273Val. To our knowledge, this variant has not been reported in the literature. This variant is reported in 0.00088% of alleles in individuals of European (Non-Finnish) descent in gnomAD. At this time, the clinical significance of this variant is uncertain due to the absence of conclusive functional and genetic evidence.